The following is an entry in ClinVar:

NM_013427.3(ARHGAP6):c.2614G>A (p.Gly872Arg)

Gene: ARHGAP6 (Rho GTPase activating protein 6; minus strand). Cytogenetic location: Xp22.2.
Variant type: single nucleotide variant.
Coding change: c.2614G>A on transcript NM_013427.3 (MANE Select); coding-DNA position 2614, G replaced by A.
Protein change: p.Gly872Arg; replaces glycine 872 with arginine.
Molecular consequence: missense variant. On other transcripts: non-coding transcript variant (1).
Genome position (GRCh38, 1-based): chrX:11,139,174, C>T on the plus strand (G>A on the coding strand, the complement: ARHGAP6 is on the minus strand). VCF-style: chrX-11139174-C-T. GRCh37 (hg19) VCF-style: chrX-11157294-C-T.
Other names: c.2074G>A, p.Gly692Arg (NM_001287242.2); c.2005G>A, p.Gly669Arg (NM_013423.3); short protein forms G872R, G669R, G692R.
Identifiers: ClinVar variation 5029235 (VCV005029235.1).

ClinVar aggregate classification (germline): Uncertain significance (1 of 4 stars; one submission).

gnomAD v4.1: 13 of 1,205,711 alleles (0.0011%); highest among the groups gnomAD compares: Non-Finnish European, 0.0015%; no homozygotes.

Submission:

Ambry Genetics
Classification: Uncertain significance. Last evaluated: 2026-07-20. Review status: criteria provided, single submitter. Criteria: Ambry Variant Classification Scheme 2023. Collection method: clinical testing. Allele origin: germline.
Comment: The c.2614G>A (p.G872R) alteration is located in exon 13 (coding exon 13) of the ARHGAP6 gene. This alteration results from a G to A substitution at nucleotide position 2614, causing the glycine (G) at amino acid position 872 to be replaced by an arginine (R). Based on data from gnomAD, the A allele has an overall frequency of 0.001% (2/187593) total alleles studied. The highest observed frequency was 0.002% (2/83102) of European (non-Finnish) alleles. Based on insufficient or conflicting evidence, the clinical significance of this alteration remains unclear.